The following is an entry in ClinVar:

ClinVar aggregate classification (germline): Likely benign (0 of 4 stars; one submission).

Conditions:
LRP1-related disorder. Also called: LRP1-related condition.

Submission:

PreventionGenetics, part of Exact Sciences
Classification: Likely benign for LRP1-related condition. Last evaluated: 2020-08-04. Review status: no assertion criteria provided. Collection method: clinical testing. Allele origin: germline.
Comment: This variant is classified as likely benign based on ACMG/AMP sequence variant interpretation guidelines (Richards et al. 2015 PMID: 25741868, with internal and published modifications).

NM_002332.3(LRP1):c.6533_6534insCA (p.Ala2179fs)

Gene: LRP1 (LDL receptor related protein 1; plus strand). Cytogenetic location: 12q13.3.
Variant type: Insertion.
Coding change: c.6533_6534insCA on transcript NM_002332.3 (MANE Select); coding-DNA positions 6533 to 6534, CA inserted.
Protein change: p.Ala2179fs; shifts the reading frame from alanine 2179.
Molecular consequence: frameshift variant.
Genome position: GRCh38 VCF-style: chr12-57185600-G-GCA. GRCh37 (hg19) VCF-style: chr12-57579383-G-GCA.
Other names: short protein forms A2179fs.
Identifiers: ClinVar variation 3036129 (VCV003036129.2), dbSNP rs2548075480, ClinGen allele CA2740092397.